The following is an entry in ClinVar:

NM_001286445.3(RIPOR2):c.1816G>A (p.Asp606Asn)

Gene: RIPOR2 (RHO family interacting cell polarization regulator 2; minus strand). Cytogenetic location: 6p22.3.
Variant type: single nucleotide variant.
Coding change: c.1816G>A on transcript NM_001286445.3 (MANE Select); coding-DNA position 1816, G replaced by A.
Protein change: p.Asp606Asn; replaces aspartic acid 606 with asparagine.
Molecular consequence: missense variant.
Genome position (GRCh38, 1-based): chr6:24,842,903, C>T on the plus strand (G>A on the coding strand, the complement: RIPOR2 is on the minus strand). VCF-style: chr6-24842903-C-T. GRCh37 (hg19) VCF-style: chr6-24843131-C-T.
Other names: c.1879G>A (NM_014722.3, NM_014722.4); c.1831G>A, p.Asp611Asn (NM_001286446.3); c.1729G>A, p.Asp577Asn (NM_001286447.2, NM_001346031.2, NM_001346032.2 and 1 more transcripts); c.1879G>A, p.Asp627Asn (NM_014722.5); short protein forms D577N, D606N, D611N, D627N.
Identifiers: ClinVar variation 2052109 (VCV002052109.9), dbSNP rs201962345, ClinGen allele CA3659187.

ClinVar aggregate classification (germline): Uncertain significance. Review status: criteria provided, multiple submitters, no conflicts (2 of 4 stars). 5 submissions from 5 submitters: Uncertain significance (5). Last evaluated 2026-06-18.

Conditions:
RIPOR2-related disorder. Also called: RIPOR2-related condition.

Allele frequency attached by ClinVar (database versions not stated): TOPMed 0.00040; gnomAD 0.00045; ESP Exome Variant Server 0.00051; 1000 Genomes Project 0.00020; ExAC 0.00028; 1000 Genomes Project 30x 0.00031.
gnomAD v4.1: 980 of 1,472,450 alleles (0.067%); highest among the groups gnomAD compares: Non-Finnish European, 0.082%; 1 homozygote.

Submissions (5):

GeneDx
Classification: Uncertain significance. Last evaluated: 2026-06-18. Review status: criteria provided, single submitter. Criteria: GeneDx Variant Classification Process June 2021. Collection method: clinical testing. Allele origin: germline.
Comment: Reported in the heterozygous state in patients with hearing loss in published literature (Veiga-Alonso A et al.16 :e32877, DOI 10.14201/orl.32877); In silico analysis suggests that this missense variant does not alter protein structure/function; This variant is associated with the following publications: (PMID: VeigaAlonso2025)

PreventionGenetics, part of Exact Sciences
Classification: Uncertain significance for RIPOR2-related condition. Last evaluated: 2026-05-22. Review status: criteria provided, single submitter. Criteria: ACMG Guidelines, 2015. Collection method: clinical testing. Allele origin: germline.
Comment: The RIPOR2 c.1879G>A variant is predicted to result in the amino acid substitution p.Asp627Asn. To our knowledge, this variant has not been reported in the literature. This variant is reported in 0.058% of alleles in individuals of Latino descent in gnomAD. Although we suspect that this variant may be benign, at this time, the clinical significance of this variant is uncertain due to the absence of conclusive functional and genetic evidence.

Labcorp Genetics (formerly Invitae), Labcorp
Classification: Uncertain significance. Last evaluated: 2025-08-25. Review status: criteria provided, single submitter. Criteria: Invitae Variant Classification Sherloc (09022015). Collection method: clinical testing. Allele origin: germline.
Comment: This sequence change replaces aspartic acid, which is acidic and polar, with asparagine, which is neutral and polar, at codon 627 of the FAM65B protein (p.Asp627Asn). This variant is present in population databases (rs201962345, gnomAD 0.06%), and has an allele count higher than expected for a pathogenic variant. This variant has not been reported in the literature in individuals affected with FAM65B-related conditions. ClinVar contains an entry for this variant (Variation ID: 2052109). An algorithm developed to predict the effect of missense changes on protein structure and function outputs the following: PolyPhen-2: "Benign". The asparagine amino acid residue is found in multiple mammalian species, which suggests that this missense change does not adversely affect protein function. In summary, the available evidence is currently insufficient to determine the role of this variant in disease. Therefore, it has been classified as a Variant of Uncertain Significance.

Blueprint Genetics
Classification: Uncertain significance. Last evaluated: 2024-10-28. Review status: criteria provided, single submitter. Criteria: ACMG Guidelines, 2015. Collection method: clinical testing. Allele origin: germline.

Ambry Genetics
Classification: Uncertain significance. Last evaluated: 2021-06-11. Review status: criteria provided, single submitter. Criteria: Ambry Variant Classification Scheme 2023. Collection method: clinical testing. Allele origin: germline.